The following is an entry in ClinVar:

ClinVar aggregate classification (germline): Uncertain significance. Review status: criteria provided, single submitter (1 of 4 stars). 2 submissions from 2 submitters: Uncertain significance (1). 1 of the submissions does not count toward it. Last evaluated 2025-08-19.

Conditions:
PREX2-related disorder. Also called: PREX2-related condition.

Allele frequency attached by ClinVar (database versions not stated): gnomAD exomes 0.00016; ExAC 0.00061; 1000 Genomes Project 0.00080; 1000 Genomes Project 30x 0.00094; gnomAD 0.00198; TOPMed 0.00216; ESP Exome Variant Server 0.00246.
gnomAD v4.1: 552 of 1,612,912 alleles (0.034%); highest among the groups gnomAD compares: African/African-American, 0.65%; 5 homozygotes.

Submissions (2):

Ambry Genetics
Classification: Uncertain significance. Last evaluated: 2025-08-19. Review status: criteria provided, single submitter. Criteria: Ambry Variant Classification Scheme 2023. Collection method: clinical testing. Allele origin: germline.

PreventionGenetics, part of Exact Sciences
Classification: Likely benign for PREX2-related condition. Last evaluated: 2019-08-14. Review status: no assertion criteria provided. Collection method: clinical testing. Allele origin: germline. Not counted in ClinVar's aggregate classification.
Comment: This variant is classified as likely benign based on ACMG/AMP sequence variant interpretation guidelines (Richards et al. 2015 PMID: 25741868, with internal and published modifications).

NM_024870.4(PREX2):c.167G>A (p.Cys56Tyr)

Gene: PREX2 (phosphatidylinositol-3,4,5-trisphosphate dependent Rac exchange factor 2; plus strand). Cytogenetic location: 8q13.2.
Variant type: single nucleotide variant.
Coding change: c.167G>A on transcript NM_024870.4 (MANE Select); coding-DNA position 167, G replaced by A.
Protein change: p.Cys56Tyr; replaces cysteine 56 with tyrosine.
Molecular consequence: missense variant.
Genome position (GRCh38, 1-based): chr8:68,017,871, G>A. VCF-style: chr8-68017871-G-A. GRCh37 (hg19) VCF-style: chr8-68930106-G-A.
Other names: c.167G>A, p.Cys56Tyr (NM_025170.6); c.167G>A (NM_024870.2); short protein forms C56Y.
Identifiers: ClinVar variation 3053706 (VCV003053706.3), dbSNP rs146009571, ClinGen allele CA4773224.